The following is an entry in ClinVar:

NM_001039141.3(TRIOBP):c.1039C>T (p.Arg347Ter)

Gene: TRIOBP (TRIO and F-actin binding protein; plus strand). Cytogenetic location: 22q13.1.
Variant type: single nucleotide variant.
Coding change: c.1039C>T on transcript NM_001039141.3 (MANE Select); coding-DNA position 1039, C replaced by T.
Protein change: p.Arg347Ter; replaces arginine 347 with a stop codon.
Molecular consequence: nonsense.
Genome position (GRCh38, 1-based): chr22:37,723,595, C>T. VCF-style: chr22-37723595-C-T. GRCh37 (hg19) VCF-style: chr22-38119602-C-T.
Other names: short protein forms R347*.
Identifiers: ClinVar variation 1490 (VCV000001490.18), dbSNP rs118204026, ClinGen allele CA251848.

ClinVar aggregate classification (germline): Pathogenic. Review status: criteria provided, multiple submitters, no conflicts (2 of 4 stars). 9 submissions from 9 submitters: Pathogenic (7). 2 of the submissions do not count toward it. Last evaluated 2025-12-10.

Conditions:
TRIOBP-related disorder. Also called: TRIOBP-related condition.
Autosomal recessive nonsyndromic hearing loss 28. Identifiers: Orphanet 90636, MedGen C1853276, MONDO:0012355, OMIM 609823.

Allele frequency attached by ClinVar (database versions not stated): TOPMed 0.00005; gnomAD 0.00010.
gnomAD v4.1: 63 of 1,613,960 alleles (0.0039%); highest among the groups gnomAD compares: East Asian, 0.016%; no homozygotes.

Submissions (9):

3billion
Classification: Pathogenic for Autosomal recessive nonsyndromic hearing loss 28. Last evaluated: 2025-12-10. Review status: criteria provided, single submitter. Criteria: ACMG Guidelines, 2015. Collection method: clinical testing. Allele origin: germline. Affected: yes.
Comment: The variant is observed at an extremely low frequency in the gnomAD v4.1.0 dataset (total allele frequency: 0.004%). Predicted Consequence/Location: Stop-gained (nonsense): predicted to result in a loss or disruption of normal protein function through nonsense-mediated decay (NMD) or protein truncation. Multiple pathogenic variants are reported downstream of the variant. The variant has been reported at least twice as pathogenic with clinical assertions and evidence for the classification (ClinVar ID: VCV000001490 /PMID: 16385458 /3billion dataset). Therefore, this variant is classified as Pathogenic according to the recommendation of ACMG/AMP guideline.

Genomic Medicine Center of Excellence, King Faisal Specialist Hospital and Research Centre
Classification: Pathogenic for Autosomal recessive nonsyndromic hearing loss 28. Last evaluated: 2025-09-10. Review status: criteria provided, single submitter. Criteria: ACMG Guidelines, 2015. Collection method: clinical testing. Allele origin: germline.

Labcorp Genetics (formerly Invitae), Labcorp
Classification: Pathogenic. Last evaluated: 2023-07-07. Review status: criteria provided, single submitter. Criteria: Invitae Variant Classification Sherloc (09022015). Collection method: clinical testing. Allele origin: germline.
Comment: This sequence change creates a premature translational stop signal (p.Arg347*) in the TRIOBP gene. It is expected to result in an absent or disrupted protein product. Loss-of-function variants in TRIOBP are known to be pathogenic (PMID: 16385457, 16385458, 20510926). For these reasons, this variant has been classified as Pathogenic. ClinVar contains an entry for this variant (Variation ID: 1490). This premature translational stop signal has been observed in individual(s) with nonsyndromic deafness (PMID: 16385458). This variant is present in population databases (rs118204026, gnomAD 0.01%).

Clinical Genetics Laboratory, Skane University Hospital Lund
Classification: Pathogenic. Last evaluated: 2023-01-04. Review status: criteria provided, single submitter. Criteria: ACMG Guidelines, 2015. Collection method: clinical testing. Allele origin: germline. Affected: yes.

GeneDx
Classification: Pathogenic. Last evaluated: 2022-07-15. Review status: criteria provided, single submitter. Criteria: GeneDx Variant Classification Process June 2021. Collection method: clinical testing. Allele origin: germline. Affected: yes.
Comment: Nonsense variant predicted to result in protein truncation or nonsense mediated decay in a gene for which loss of function is a known mechanism of disease; This variant is associated with the following publications: (PMID: 25525159, 30833958, 32747562, 33121024, 16385458, 32279305)

Blueprint Genetics
Classification: Pathogenic for TRIOBP-related disorders. Last evaluated: 2022-04-26. Review status: criteria provided, single submitter. Criteria: ACMG Guidelines, 2015. Collection method: clinical testing. Allele origin: germline. Affected: yes. Observed: 3 variant alleles.

Eurofins Ntd Llc (ga)
Classification: Pathogenic. Last evaluated: 2017-05-05. Review status: criteria provided, single submitter. Criteria: EGL Classification Definitions 2015. Collection method: clinical testing. Allele origin: germline. Observed: 1 variant allele, 1 heterozygote.

Hereditary Research Laboratory, Bethlehem University
Classification: Pathogenic for Autosomal recessive nonsyndromic hearing loss 28. Last evaluated: 2016-06-04. Review status: no assertion criteria provided. Collection method: research. Allele origin: germline. Affected: yes. Not counted in ClinVar's aggregate classification.
Comment: Severe to Profound

OMIM
Classification: Pathogenic for DEAFNESS, AUTOSOMAL RECESSIVE 28. Last evaluated: 2006-01-01. Review status: no assertion criteria provided. Collection method: literature only. Allele origin: germline. Not counted in ClinVar's aggregate classification.

Literature cited by the submitters: PubMed 16385458 (cited by 3 submitters); PubMed 16385457 (cited by Labcorp Genetics (formerly Invitae), Labcorp); PubMed 20510926 (cited by Labcorp Genetics (formerly Invitae), Labcorp).